The following is an entry in ClinVar:

NM_018972.4(GDAP1):c.86A>C (p.Tyr29Ser)

Genes: GDAP1 (ganglioside induced differentiation associated protein 1; plus strand), LOC130000622 (ATAC-STARR-seq lymphoblastoid active region 27542; plus strand). Cytogenetic location: 8q21.11.
Variant type: single nucleotide variant.
Coding change: c.86A>C on transcript NM_018972.4 (MANE Select); coding-DNA position 86, A replaced by C.
Protein change: p.Tyr29Ser; replaces tyrosine 29 with serine.
Molecular consequence: missense variant. On other transcripts: 5 prime UTR variant (2), intron variant (1).
Genome position (GRCh38, 1-based): chr8:74,350,547, A>C. VCF-style: chr8-74350547-A-C. GRCh37 (hg19) VCF-style: chr8-75262782-A-C.
Other names: c.-97A>C (NM_001362929.2); c.86A>C, p.Tyr29Ser (NM_001362930.2, NM_001362931.2); c.-49A>C (NM_001362932.2); c.-64+75A>C (NM_001040875.4); short protein forms Y29S.
Identifiers: ClinVar variation 567568 (VCV000567568.9), dbSNP rs1563437000, ClinGen allele CA371499142.
Genomic context (GRCh38, chr8:74,350,547, plus strand): 5'-GAGGGAGCCCGCCCTTGAGGGCGGAAGGCAAGGCCGACGCGGAGGTTAAGCTCATTCTGT[A>C]CCATTGGACGCATTCCTTCAGCTCTCAAAAGGTACAACAGGCCTTGGCGGCGGAGGGTGG-3'
Protein context (NP_061845.2, residues 19-39): KADAEVKLIL[Tyr29Ser]HWTHSFSSQK

ClinVar aggregate classification (germline): Uncertain significance (1 of 4 stars; one submission).

Conditions:
Charcot-Marie-Tooth disease type 4A. Also called: Charcot-Marie-Tooth disease, demyelinating, autosomal recessive, type 4a. Identifiers: Orphanet 99948, MedGen C1859198, MONDO:0008961, OMIM 214400.

Submission:

Labcorp Genetics (formerly Invitae), Labcorp
Classification: Uncertain significance for Charcot-Marie-Tooth disease type 4A. Last evaluated: 2023-08-10. Review status: criteria provided, single submitter. Criteria: Invitae Variant Classification Sherloc (09022015). Collection method: clinical testing. Allele origin: germline.
Comment: In summary, the available evidence is currently insufficient to determine the role of this variant in disease. Therefore, it has been classified as a Variant of Uncertain Significance. An algorithm developed to predict the effect of missense changes on protein structure and function (PolyPhen-2) suggests that this variant is likely to be disruptive. ClinVar contains an entry for this variant (Variation ID: 567568). This missense change has been observed in individual(s) with clinical features of Charcot-Marie-Tooth disease (Invitae). In at least one individual the data is consistent with being in trans (on the opposite chromosome) from a pathogenic variant. This variant is not present in population databases (gnomAD no frequency). This sequence change replaces tyrosine, which is neutral and polar, with serine, which is neutral and polar, at codon 29 of the GDAP1 protein (p.Tyr29Ser).